The following is an entry in ClinVar:

NM_001367624.2(ZNF469):c.2168G>A (p.Ser723Asn)

Gene: ZNF469 (zinc finger protein 469; plus strand). Cytogenetic location: 16q24.2.
Variant type: single nucleotide variant.
Coding change: c.2168G>A on transcript NM_001367624.2 (MANE Select); coding-DNA position 2168, G replaced by A.
Protein change: p.Ser723Asn; replaces serine 723 with asparagine.
Molecular consequence: missense variant.
Genome position (GRCh38, 1-based): chr16:88,429,638, G>A. VCF-style: chr16-88429638-G-A. GRCh37 (hg19) VCF-style: chr16-88496046-G-A.
Other names: NM_001127464.1:c.2168G>A; short protein forms S723N.
Identifiers: ClinVar variation 2564238 (VCV002564238.2), dbSNP rs777747160, ClinGen allele CA397070238.
Genomic context (GRCh38, chr16:88,429,638, plus strand): 5'-AGGGCTTCCCCCGTGCGCCGCCTCCGTACCCCACACACCACTTCTCCCTCAGCAGCGCCA[G>A]CCTGGACCAGCTGGACGTGCTGCTGACCTGCAGGCAGTGTGACCGCAACTACAGCAGCCT-3'
Protein context (NP_001354553.1, residues 713-733): PTHHFSLSSA[Ser723Asn]LDQLDVLLTC

ClinVar aggregate classification (germline): Uncertain significance (1 of 4 stars; one submission).

Conditions:
Cardiovascular phenotype. Identifiers: MedGen CN230736.

gnomAD v4.1: 5 of 1,543,860 alleles (0.00032%); highest among the groups gnomAD compares: South Asian, 0.0036%; no homozygotes.

Submission:

Ambry Genetics
Classification: Uncertain significance for Cardiovascular phenotype. Last evaluated: 2023-05-01. Review status: criteria provided, single submitter. Criteria: Ambry Variant Classification Scheme 2023. Collection method: clinical testing. Allele origin: germline.
Comment: The p.S723N variant (also known as c.2168G>A), located in coding exon 1 of the ZNF469 gene, results from a G to A substitution at nucleotide position 2168. The serine at codon 723 is replaced by asparagine, an amino acid with highly similar properties. This amino acid position is conserved. In addition, this alteration is predicted to be tolerated by in silico analysis. Since supporting evidence is limited at this time, the clinical significance of this alteration remains unclear.